The following is an entry in ClinVar:

ClinVar aggregate classification (germline): Likely pathogenic. Review status: criteria provided, single submitter (1 of 4 stars). 4 submissions from 4 submitters: Likely pathogenic (1). 3 of the submissions do not count toward it. Last evaluated 2023-02-08.

Conditions:
OTOF-related disorder. Also called: OTOF-related condition.
Autosomal recessive nonsyndromic hearing loss 9. Also called: NEUROSENSORY NONSYNDROMIC RECESSIVE DEAFNESS 9; AUDITORY NEUROPATHY, AUTOSOMAL RECESSIVE, 1, TEMPERATURE-SENSITIVE; OTOF-Related Hearing Loss; Deafness, autosomal recessive 9. Identifiers: Orphanet 90636, MedGen C1832828, MONDO:0010986, OMIM 601071.

Allele frequency attached by ClinVar (database versions not stated): TOPMed below 0.00001; gnomAD exomes 0.00001.
gnomAD v4.1: 8 of 1,604,456 alleles (0.0005%); highest among the groups gnomAD compares: Non-Finnish European, 0.00068%; no homozygotes.

Submissions (4):

Labcorp Genetics (formerly Invitae), Labcorp
Classification: Likely pathogenic. Last evaluated: 2023-02-08. Review status: criteria provided, single submitter. Criteria: Invitae Variant Classification Sherloc (09022015). Collection method: clinical testing. Allele origin: germline.
Comment: This variant has not been reported in the literature in individuals affected with OTOF-related conditions. The frequency data for this variant in the population databases is considered unreliable, as metrics indicate poor data quality at this position in the gnomAD database. This sequence change affects a donor splice site in intron 24 of the OTOF gene. It is expected to disrupt RNA splicing. Variants that disrupt the donor or acceptor splice site typically lead to a loss of protein function (PMID: 16199547), and loss-of-function variants in OTOF are known to be pathogenic (PMID: 18381613, 19250381, 22575033). ClinVar contains an entry for this variant (Variation ID: 21841). In summary, the currently available evidence indicates that the variant is pathogenic, but additional data are needed to prove that conclusively. Therefore, this variant has been classified as Likely Pathogenic. Algorithms developed to predict the effect of sequence changes on RNA splicing suggest that this variant may disrupt the consensus splice site.

Diagnosis and Treatment Center of Genetic Hearing Loss, Eye & ENT Hospital of Fudan University
Classification: Likely pathogenic for Autosomal recessive nonsyndromic hearing loss 9. Last evaluated: 2026-02-04. Review status: no assertion criteria provided. Collection method: clinical testing. Allele origin: germline. Inheritance: Autosomal recessive inheritance. Affected: yes. Not counted in ClinVar's aggregate classification.
Comment: The c.2991+1G>A splice donor variant in OTOF is predicted to disrupt splicing (PVS1). The population frequency is 0.0000128 (PM2_Supporting).

PreventionGenetics, part of Exact Sciences
Classification: Likely pathogenic for OTOF-related condition. Last evaluated: 2024-05-01. Review status: no assertion criteria provided. Collection method: clinical testing. Allele origin: germline. Not counted in ClinVar's aggregate classification.
Comment: The OTOF c.2991+1G>A variant is predicted to disrupt the GT donor site and interfere with normal splicing. To our knowledge, this variant has not been reported in the literature. This variant is reported in 0.0028% of alleles in individuals of European (Non-Finnish) descent in gnomAD. Variants that disrupt the consensus splice donor site in OTOF are expected to be pathogenic. This variant is interpreted as likely pathogenic.

GeneReviews
No classification provided. Condition: Autosomal recessive nonsyndromic hearing loss 9. Review status: no classification provided. Collection method: literature only. Allele origin: unknown. Not counted in ClinVar's aggregate classification.

Literature cited by the submitters: PubMed 16199547 (cited by Labcorp Genetics (formerly Invitae), Labcorp); PubMed 18381613 (cited by Labcorp Genetics (formerly Invitae), Labcorp); PubMed 19250381 (cited by Labcorp Genetics (formerly Invitae), Labcorp); PubMed 22575033 (cited by Labcorp Genetics (formerly Invitae), Labcorp); PubMed 10878664 (cited by GeneReviews); PubMed 20301429 (cited by GeneReviews); NCBI Bookshelf NBK1251 (cited by GeneReviews).

NM_194248.3(OTOF):c.2991+1G>A

Gene: OTOF (otoferlin; minus strand). Cytogenetic location: 2p23.3.
Variant type: single nucleotide variant.
Coding change: c.2991+1G>A on transcript NM_194248.3 (MANE Select); the canonical splice donor site of the intron after coding-DNA position 2991, G replaced by A.
Molecular consequence: splice donor variant.
Genome position (GRCh38, 1-based): chr2:26,475,913, C>T on the plus strand (G>A on the coding strand, the complement: OTOF is on the minus strand). VCF-style: chr2-26475913-C-T. GRCh37 (hg19) VCF-style: chr2-26698781-C-T.
Other names: c.750+1G>A (NM_004802.4, NM_194323.3); c.921+1G>A (NM_194322.3); c.2991+1G>A (NM_001287489.2, NM_194248.2).
Identifiers: ClinVar variation 21841 (VCV000021841.8), dbSNP rs80356594, ClinGen allele CA342568.